The following is an entry in ClinVar:

NM_213655.5(WNK1):c.2684C>T (p.Thr895Ile)

Gene: WNK1 (WNK lysine deficient protein kinase 1; plus strand). Cytogenetic location: 12p13.33.
Variant type: single nucleotide variant.
Coding change: c.2684C>T on transcript NM_213655.5 (MANE Plus Clinical); coding-DNA position 2684, C replaced by T.
Protein change: p.Thr895Ile; replaces threonine 895 with isoleucine.
Molecular consequence: missense variant. On other transcripts: intron variant (2).
Genome position (GRCh38, 1-based): chr12:868,155, C>T. VCF-style: chr12-868155-C-T. GRCh37 (hg19) VCF-style: chr12-977321-C-T.
Other names: c.2429C>T, p.Thr810Ile (NM_001184985.2); c.2140-3110C>T (NM_018979.4, NM_014823.3); c.2429C>T (NM_001184985.1); short protein forms T810I, T895I.
Identifiers: ClinVar variation 835041 (VCV000835041.8), dbSNP rs370517971, ClinGen allele CA231498752.
Genomic context (GRCh38, chr12:868,155, plus strand): 5'-GCCCAACTAACTGGACACCAGAGGCCGTAGTTATGTTGGGTACTACAGCCAGTAGAGTAA[C>T]TGGAGAGTCATGTGAGATACAGGTCCATCCTATGTTTGAACCATCTCAAGTTTACAGTGA-3'
Protein context (NP_998820.3, residues 885-905): VMLGTTASRV[Thr895Ile]GESCEIQVHP

ClinVar aggregate classification (germline): Uncertain significance. Review status: criteria provided, multiple submitters, no conflicts (2 of 4 stars). 2 submissions from 2 submitters: Uncertain significance (2). Last evaluated 2026-05-12.

Conditions:
WNK1-related disorder. Also called: WNK1-related condition.
Pseudohypoaldosteronism type 2C (PHA2C). Also called: Pseudohypoaldosteronism Type IIC. Identifiers: Orphanet 757, Orphanet 88940, MedGen C1840391, MONDO:0013778, OMIM 614492.
Neuropathy, hereditary sensory and autonomic, type 2A (HSAN2A). Also called: ACROOSTEOLYSIS, GIACCAI TYPE; ACROOSTEOLYSIS, NEUROGENIC; WNK1-Related HSAN2 (HSAN2A); HSAN IIA; MORVAN DISEASE; NEUROPATHY, CONGENITAL SENSORY. Identifiers: Orphanet 970, MedGen C2752089, MONDO:0024309, OMIM 201300.

Allele frequency attached by ClinVar (database versions not stated): TOPMed 0.00002; ESP Exome Variant Server 0.00008.
gnomAD v4.1: 79 of 1,613,934 alleles (0.0049%); highest among the groups gnomAD compares: Non-Finnish European, 0.0064%; no homozygotes.

Submissions (2):

PreventionGenetics, part of Exact Sciences
Classification: Uncertain significance for WNK1-related condition. Last evaluated: 2026-05-12. Review status: criteria provided, single submitter. Criteria: ACMG Guidelines, 2015. Collection method: clinical testing. Allele origin: germline.
Comment: The WNK1 c.2429C>T variant is predicted to result in the amino acid substitution p.Thr810Ile. To our knowledge, this variant has not been reported in the literature. This variant is reported in 0.0028% of alleles in individuals of Latino descent in gnomAD. At this time, the clinical significance of this variant is uncertain due to the absence of conclusive functional and genetic evidence.

Labcorp Genetics (formerly Invitae), Labcorp
Classification: Uncertain significance for Neuropathy, hereditary sensory and autonomic, type 2A; Pseudohypoaldosteronism type 2C. Last evaluated: 2025-07-13. Review status: criteria provided, single submitter. Criteria: Invitae Variant Classification Sherloc (09022015). Collection method: clinical testing. Allele origin: germline.
Comment: This sequence change replaces threonine, which is neutral and polar, with isoleucine, which is neutral and non-polar, at codon 895 of the WNK1 protein (p.Thr895Ile). This variant is present in population databases (rs370517971, gnomAD 0.003%). This variant has not been reported in the literature in individuals affected with WNK1-related conditions. ClinVar contains an entry for this variant (Variation ID: 835041). Invitae Evidence Modeling of protein sequence and biophysical properties (such as structural, functional, and spatial information, amino acid conservation, physicochemical variation, residue mobility, and thermodynamic stability) indicates that this missense variant is not expected to disrupt WNK1 protein function with a negative predictive value of 95%. In summary, the available evidence is currently insufficient to determine the role of this variant in disease. Therefore, it has been classified as a Variant of Uncertain Significance.